The following is an entry in ClinVar:

NM_007294.4(BRCA1):c.1878A>G (p.Val626=)

Gene: BRCA1 (BRCA1 DNA repair associated; minus strand). Cytogenetic location: 17q21.31.
Variant type: single nucleotide variant.
Coding change: c.1878A>G on transcript NM_007294.4 (MANE Select); coding-DNA position 1878, A replaced by G.
Protein change: p.Val626=; no amino-acid change (valine 626 retained).
Molecular consequence: synonymous variant. On other transcripts: intron variant (137).
Genome position (GRCh38, 1-based): chr17:43,093,653, T>C on the plus strand (A>G on the coding strand, the complement: BRCA1 is on the minus strand). VCF-style: chr17-43093653-T-C. GRCh37 (hg19) VCF-style: chr17-41245670-T-C.
Other names: c.1665A>G, p.Val555= (NM_001407571.1, NM_001407853.1, NM_001407894.1 and 9 more transcripts); c.1878A>G, p.Val626= (NM_001407581.1, NM_001407582.1, NM_001407583.1 and 30 more transcripts); c.1875A>G, p.Val625= (NM_001407587.1, NM_001407590.1, NM_001407591.1 and 22 more transcripts); c.1869A>G, p.Val623= (NM_001407646.1, NM_001407647.1); c.1755A>G, p.Val585= (NM_001407648.1, NM_001407664.1, NM_001407665.1 and 19 more transcripts); c.1752A>G, p.Val584= (NM_001407649.1, NM_001407670.1, NM_001407671.1 and 11 more transcripts); c.1800A>G, p.Val600= (NM_001407653.1, NM_001407654.1, NM_001407655.1 and 4 more transcripts); c.1797A>G, p.Val599= (NM_001407659.1, NM_001407660.1, NM_001407661.1 and 1 more transcripts); and 40 more.
Identifiers: ClinVar variation 231250 (VCV000231250.29), dbSNP rs8176154, ClinGen allele CA057600.

ClinVar aggregate classification (germline): Conflicting classifications of pathogenicity. Review status: criteria provided, conflicting classifications (1 of 4 stars). 9 submissions from 9 submitters: Uncertain significance (1); Likely benign (8). Last evaluated 2025-11-09.

Conditions:
Breast-ovarian cancer, familial, susceptibility to, 1 (BROVCA1). Also called: BRCA1 Hereditary Breast and Ovarian Cancer; OVARIAN CANCER, SUSCEPTIBILITY TO. Identifiers: Orphanet 145, MedGen C2676676, MONDO:0011450, OMIM 604370. Disease mechanism: loss of function.
Hereditary cancer-predisposing syndrome. Also called: Tumor predisposition; Hereditary Cancer Syndrome; Neoplastic Syndromes, Hereditary; Hereditary neoplastic syndrome. Identifiers: Orphanet 140162, MedGen C0027672, MeSH D009386, MONDO:0015356.
Hereditary breast ovarian cancer syndrome. Also called: Breast and ovarian cancer; Hereditary breast and ovarian cancer; Hereditary breast and ovarian cancer syndrome; Hereditary breast and/or ovarian cancer syndrome; BRCA1- and BRCA2-Associated Hereditary Breast and Ovarian Cancer; Hereditary breast and ovarian cancer syndrome (HBOC). Identifiers: Orphanet 145, MedGen C0677776, MeSH D061325, MONDO:0003582. Disease mechanism: loss of function.
Fanconi anemia, complementation group S (FANCS). Identifiers: MedGen C4554406, MONDO:0054748, OMIM 617883.

Allele frequency attached by ClinVar (database versions not stated): TOPMed below 0.00001; gnomAD 0.00001; ExAC 0.00003; gnomAD exomes 0.00003 and 0.00005; ESP Exome Variant Server 0.00008.
gnomAD v4.1: 42 of 1,614,016 alleles (0.0026%); highest among the groups gnomAD compares: South Asian, 0.015%; no homozygotes.

Submissions (9):

Labcorp Genetics (formerly Invitae), Labcorp
Classification: Likely benign for Hereditary breast ovarian cancer syndrome. Last evaluated: 2025-11-09. Review status: criteria provided, single submitter. Criteria: Invitae Variant Classification Sherloc (09022015). Collection method: clinical testing. Allele origin: germline.

Quest Diagnostics Nichols Institute San Juan Capistrano
Classification: Likely benign. Last evaluated: 2025-06-30. Review status: criteria provided, single submitter. Criteria: Quest Diagnostics criteria. Collection method: clinical testing. Allele origin: unknown.

Women's Health and Genetics/Laboratory Corporation of America, LabCorp
Classification: Likely benign. Last evaluated: 2025-05-29. Review status: criteria provided, single submitter. Criteria: LabCorp Variant Classification Summary - May 2015. Collection method: clinical testing. Allele origin: germline.
Comment: Variant summary: BRCA1 c.1878A>G results in a synonymous change. Several computational tools predict a significant impact on normal splicing: Three predict the variant creates a 5 donor site. However, multiple functional studies found the variant to not affect splicing (Anczukow_2008, Baert_2018). The variant allele was found at a frequency of 5.2e-05 in 251214 control chromosomes, predominantly at a frequency of 0.00029 within the South Asian subpopulation in the gnomAD database. This frequency is not significantly higher than estimated for a pathogenic variant in BRCA1 causing Hereditary Breast And Ovarian Cancer Syndrome (5.2e-05 vs 0.001), allowing no conclusion about variant significance. c.1878A>G has been observed in individual(s) affected with Hereditary Breast And Ovarian Cancer Syndrome. These report(s) do not provide unequivocal conclusions about association of the variant with Hereditary Breast And Ovarian Cancer Syndrome. ClinVar contains an entry for this variant (Variation ID: 231250). Based on the evidence outlined above, the variant was classified as likely benign.

Department of Pathology and Laboratory Medicine, Sinai Health System
Classification: Likely benign for Fanconi anemia, complementation group S. Last evaluated: 2024-05-02. Review status: criteria provided, single submitter. Criteria: ACMG Guidelines, 2015. Collection method: clinical testing. Allele origin: germline. Affected: no.

All of Us Research Program, National Institutes of Health
Classification: Likely benign for Breast-ovarian cancer, familial, susceptibility to, 1. Last evaluated: 2024-01-11. Review status: criteria provided, single submitter. Criteria: ACMG Guidelines, 2015. Collection method: clinical testing. Allele origin: germline. Inheritance: Autosomal dominant inheritance. Observed: 4 variant alleles, 4 heterozygotes.
Comment: This study involves interpretation of variants in research participants for the purpose of population health screening. Participant phenotype was not available at the time of variant classification. Additional details can be found in publication PMID: 35346344, PMCID: PMC8962531

GeneDx
Classification: Likely benign. Last evaluated: 2020-12-24. Review status: criteria provided, single submitter. Criteria: GeneDx Variant Classification Process June 2021. Collection method: clinical testing. Allele origin: germline. Affected: yes.
Comment: This variant is associated with the following publications: (PMID: 18273839, 23893897, 29280214)

Illumina Laboratory Services, Illumina
Classification: Uncertain significance for Breast-ovarian cancer, familial, susceptibility to, 1. Last evaluated: 2018-01-13. Review status: criteria provided, single submitter. Criteria: ICSL Variant Classification Criteria 13 December 2019. Collection method: clinical testing. Allele origin: germline.

Color Diagnostics, LLC DBA Color Health
Classification: Likely benign for Hereditary cancer-predisposing syndrome. Last evaluated: 2016-12-06. Review status: criteria provided, single submitter. Criteria: ACMG Guidelines, 2015. Collection method: clinical testing. Allele origin: germline.

Ambry Genetics
Classification: Likely benign for Hereditary cancer-predisposing syndrome. Last evaluated: 2015-04-01. Review status: criteria provided, single submitter. Criteria: Ambry Variant Classification Scheme 2023. Collection method: clinical testing. Allele origin: germline.

Literature cited by the submitters: PubMed 18273839 (cited by 3 submitters); PubMed 16267036 (cited by 3 submitters); PubMed 29280214 (cited by Quest Diagnostics Nichols Institute San Juan Capistrano and Women's Health and Genetics/Laboratory Corporation of America, LabCorp).